The following is an entry in ClinVar:

NM_022047.4(DEF6):c.926T>C (p.Met309Thr)

Gene: DEF6 (DEF6 guanine nucleotide exchange factor; plus strand). Cytogenetic location: 6p21.31.
Variant type: single nucleotide variant.
Coding change: c.926T>C on transcript NM_022047.4 (MANE Select); coding-DNA position 926, T replaced by C.
Protein change: p.Met309Thr; replaces methionine 309 with threonine.
Molecular consequence: missense variant.
Genome position (GRCh38, 1-based): chr6:35,318,182, T>C. VCF-style: chr6-35318182-T-C. GRCh37 (hg19) VCF-style: chr6-35285959-T-C.
Other names: c.926T>C (NM_022047.3); short protein forms M309T.
Identifiers: ClinVar variation 1003565 (VCV001003565.6), dbSNP rs200654355, ClinGen allele CA3770856.

ClinVar aggregate classification (germline): Uncertain significance (1 of 4 stars; one submission).

Allele frequency attached by ClinVar (database versions not stated): ExAC 0.00036; gnomAD exomes 0.00036 and 0.00060; ESP Exome Variant Server 0.00040; gnomAD 0.00054 and 0.00056; 1000 Genomes Project 0.00060; 1000 Genomes Project 30x 0.00062; TOPMed 0.00068.
gnomAD v4.1: 917 of 1,562,816 alleles (0.059%); highest among the groups gnomAD compares: Admixed American, 0.076%; no homozygotes.

Submission:

Labcorp Genetics (formerly Invitae), Labcorp
Classification: Uncertain significance. Last evaluated: 2026-01-12. Review status: criteria provided, single submitter. Criteria: Invitae Variant Classification Sherloc (09022015). Collection method: clinical testing. Allele origin: germline.
Comment: This sequence change replaces methionine, which is neutral and non-polar, with threonine, which is neutral and polar, at codon 309 of the DEF6 protein (p.Met309Thr). This variant is present in population databases (rs200654355, gnomAD 0.06%). This variant has not been reported in the literature in individuals affected with DEF6-related conditions. ClinVar contains an entry for this variant (Variation ID: 1003565). An algorithm developed to predict the effect of missense changes on protein structure and function outputs the following: PolyPhen-2: "Benign". The threonine amino acid residue is found in multiple mammalian species, which suggests that this missense change does not adversely affect protein function. In summary, the available evidence is currently insufficient to determine the role of this variant in disease. Therefore, it has been classified as a Variant of Uncertain Significance.